The following is an entry in ClinVar:

NM_001002294.3(FMO3):c.1079T>C (p.Leu360Pro)

Gene: FMO3 (flavin containing dimethylaniline monoxygenase 3; plus strand). Cytogenetic location: 1q24.3.
Variant type: single nucleotide variant.
Coding change: c.1079T>C on transcript NM_001002294.3 (MANE Select); coding-DNA position 1079, T replaced by C.
Protein change: p.Leu360Pro; replaces leucine 360 with proline.
Molecular consequence: missense variant.
Genome position (GRCh38, 1-based): chr1:171,114,258, T>C. VCF-style: chr1-171114258-T-C. GRCh37 (hg19) VCF-style: chr1-171083398-T-C.
Other names: c.1019T>C, p.Leu340Pro (NM_001319173.2); c.890T>C, p.Leu297Pro (NM_001319174.2); c.1079T>C, p.Leu360Pro (NM_006894.6); c.1079T>C (NM_006894.5); short protein forms L360P, L340P, L297P.
Identifiers: ClinVar variation 21464 (VCV000021464.8), dbSNP rs28363581, ClinGen allele CA342117.

ClinVar aggregate classification (germline): Likely benign. Review status: criteria provided, multiple submitters, no conflicts (2 of 4 stars). 3 submissions from 3 submitters: Likely benign (2). 1 of the submissions does not count toward it. Last evaluated 2026-07-29.

Conditions:
FMO3-related disorder. Also called: FMO3-related condition.
Trimethylaminuria (TMAU). Also called: FISH-ODOR SYNDROME; Primary Trimethylaminuria; Fish malodor syndrome; Stale fish syndrome; TMAuria. Identifiers: MedGen C0342739, MONDO:0011182, OMIM 602079, HP:0003614. Disease mechanism: loss of function.

Allele frequency attached by ClinVar (database versions not stated): gnomAD exomes 0.00014 and 0.00036; ESP Exome Variant Server 0.00131; gnomAD 0.00147 and 0.00158; TOPMed 0.00172; ExAC 0.00039; 1000 Genomes Project 0.00200; 1000 Genomes Project 30x 0.00219.
gnomAD v4.1: 448 of 1,614,034 alleles (0.028%); highest among the groups gnomAD compares: African/African-American, 0.51%; 2 homozygotes.

Submissions (3):

PreventionGenetics, part of Exact Sciences
Classification: Likely benign for FMO3-related condition. Last evaluated: 2026-07-29. Review status: criteria provided, single submitter. Criteria: ACMG Guidelines, 2015. Collection method: clinical testing. Allele origin: germline.
Comment: This variant is classified as likely benign based on ACMG/AMP sequence variant interpretation guidelines (Richards et al. 2015 PMID: 25741868, with internal and published modifications).

Labcorp Genetics (formerly Invitae), Labcorp
Classification: Likely benign. Last evaluated: 2026-01-28. Review status: criteria provided, single submitter. Criteria: Invitae Variant Classification Sherloc (09022015). Collection method: clinical testing. Allele origin: germline.

GeneReviews
No classification provided. Condition: Trimethylaminuria. Review status: no classification provided. Collection method: literature only. Allele origin: germline. Affected: yes. Not counted in ClinVar's aggregate classification.

Literature cited by the submitters: PubMed 12814961 (cited by GeneReviews); NCBI Bookshelf NBK1103 (cited by GeneReviews).